The following is an entry in ClinVar:

ClinVar aggregate classification (germline): Uncertain significance (1 of 4 stars; one submission).

Allele frequency attached by ClinVar (database versions not stated): TOPMed below 0.00001; gnomAD 0.00001.
gnomAD v4.1: 12 of 1,612,492 alleles (0.00074%); highest among the groups gnomAD compares: East Asian, 0.0022%; no homozygotes.

Submission:

Labcorp Genetics (formerly Invitae), Labcorp
Classification: Uncertain significance. Last evaluated: 2022-02-15. Review status: criteria provided, single submitter. Criteria: Invitae Variant Classification Sherloc (09022015). Collection method: clinical testing. Allele origin: germline.
Comment: This sequence change replaces arginine, which is basic and polar, with glutamine, which is neutral and polar, at codon 1902 of the FAT4 protein (p.Arg1902Gln). This variant is present in population databases (rs367572465, gnomAD 0.003%). This variant has not been reported in the literature in individuals affected with FAT4-related conditions. Advanced modeling of protein sequence and biophysical properties (such as structural, functional, and spatial information, amino acid conservation, physicochemical variation, residue mobility, and thermodynamic stability) performed at Invitae indicates that this missense variant is not expected to disrupt FAT4 protein function. In summary, the available evidence is currently insufficient to determine the role of this variant in disease. Therefore, it has been classified as a Variant of Uncertain Significance.

NM_001291303.3(FAT4):c.5705G>A (p.Arg1902Gln)

Gene: FAT4 (FAT atypical cadherin 4; plus strand). Cytogenetic location: 4q28.1.
Variant type: single nucleotide variant.
Coding change: c.5705G>A on transcript NM_001291303.3 (MANE Select); coding-DNA position 5705, G replaced by A.
Protein change: p.Arg1902Gln; replaces arginine 1902 with glutamine.
Molecular consequence: missense variant.
Genome position (GRCh38, 1-based): chr4:125,408,579, G>A. VCF-style: chr4-125408579-G-A. GRCh37 (hg19) VCF-style: chr4-126329734-G-A.
Other names: c.5705G>A, p.Arg1902Gln (NM_001291285.3, NM_024582.6); short protein forms R1902Q.
Identifiers: ClinVar variation 1362354 (VCV001362354.5), dbSNP rs367572465, ClinGen allele CA3072777.